The following is an entry in ClinVar:

ClinVar aggregate classification (germline): Uncertain significance (1 of 4 stars; one submission).

Submission:

Women's Health and Genetics/Laboratory Corporation of America, LabCorp
Classification: Uncertain significance. Last evaluated: 2026-03-09. Review status: criteria provided, single submitter. Criteria: LabCorp Variant Classification Summary - May 2015. Collection method: clinical testing. Allele origin: germline.
Comment: Variant summary: KCNA2 c.*1195A>C (also known as c.977A>C (p.Asn326Thr) in NM_001204269) is located in the untranslated mRNA region downstream of the termination codon. The variant was absent in 149236 control chromosomes (gnomAD). The available data on variant occurrences in the general population are insufficient to allow any conclusion about variant significance. To our knowledge, no occurrence of c.*1195A>C in individuals affected with KCNA2-related conditions and no experimental evidence demonstrating its impact on protein function have been reported. No submitters have cited clinical-significance assessments for this variant to ClinVar. Based on the evidence outlined above, the variant was classified as uncertain significance.

NM_004974.4(KCNA2):c.*1195A>C

Gene: KCNA2 (potassium voltage-gated channel subfamily A member 2; minus strand). Cytogenetic location: 1p13.3.
Variant type: single nucleotide variant.
Coding change: c.*1195A>C on transcript NM_004974.4 (MANE Select); 1195 bases downstream of the stop codon, A replaced by C.
Molecular consequence: 3 prime UTR variant. On other transcripts: missense variant (1).
Genome position (GRCh38, 1-based): chr1:110,602,088, T>G on the plus strand (A>C on the coding strand, the complement: KCNA2 is on the minus strand). VCF-style: chr1-110602088-T-G. GRCh37 (hg19) VCF-style: chr1-111144710-T-G.
Other names: c.977A>C, p.Asn326Thr (NM_001204269.2); short protein forms N326T.
Identifiers: ClinVar variation 4847400 (VCV004847400.1).
Genomic context (GRCh38, chr1:110,602,088, plus strand): 5'-ACCTGCCTGTCATCAGGACCAGATGCCCTGGTCCACTGTACAGTCATGCCCGCGACTAGG[T>G]TAATTCCTAAGGTGCAGTCATGTGAGGTGTTCAGATGCTGCCTTCCCCGCTTACTCTTCT-3'